The following is an entry in ClinVar:

ClinVar aggregate classification (germline): Uncertain significance (1 of 4 stars; one submission).

Conditions:
Mucolipidosis type IV (ML4). Also called: ML IV. Identifiers: Orphanet 578, MedGen C0238286, MONDO:0009653, OMIM 252650.

Allele frequency attached by ClinVar (database versions not stated): gnomAD exomes below 0.00001.
gnomAD v4.1: 1 of 1,614,012 alleles (0.000062%); highest among the groups gnomAD compares: Non-Finnish European, 0.000085%; no homozygotes.

Submission:

MVZ Medizinische Genetik Mainz
Classification: Uncertain significance for Mucolipidosis type IV. Last evaluated: 2023-10-31. Review status: criteria provided, single submitter. Criteria: UK Practice Guidelines For Variant Classification V4 01 2020. Collection method: clinical testing. Allele origin: germline. Inheritance: Autosomal recessive inheritance. Affected: yes. Observed: 2 variant alleles.
Comment: ACMG Criteria: PM3,PM2_SUP

NM_020533.3(MCOLN1):c.416T>C (p.Leu139Ser)

Gene: MCOLN1 (mucolipin TRP cation channel 1; plus strand). Cytogenetic location: 19p13.2.
Variant type: single nucleotide variant.
Coding change: c.416T>C on transcript NM_020533.3 (MANE Select); coding-DNA position 416, T replaced by C.
Protein change: p.Leu139Ser; replaces leucine 139 with serine.
Molecular consequence: missense variant.
Genome position (GRCh38, 1-based): chr19:7,526,771, T>C. VCF-style: chr19-7526771-T-C. GRCh37 (hg19) VCF-style: chr19-7591657-T-C.
Other names: short protein forms L139S.
Identifiers: ClinVar variation 3235988 (VCV003235988.1), dbSNP rs2512469684, ClinGen allele CA403081187.
Genomic context (GRCh38, chr19:7,526,771, plus strand): 5'-GCTGCAGAGAGCGGGCCGGACTCACAGGCCCTCCCCTTCTCTGCCCACAGTACCTGGCGT[T>C]GCCTGACGTGTCACTGGGCCGGTATGCGTATGTCCGTGGTGGGGGTGACCCTTGGACCAA-3'
Protein context (NP_065394.1, residues 129-149): IFHAVDQYLA[Leu139Ser]PDVSLGRYAY